The following is an entry in ClinVar:

NM_182961.4(SYNE1):c.4008+6A>G

Gene: SYNE1 (spectrin repeat containing nuclear envelope protein 1; minus strand). Cytogenetic location: 6q25.2.
Variant type: single nucleotide variant.
Coding change: c.4008+6A>G on transcript NM_182961.4 (MANE Select); 6 bases into the intron after coding-DNA position 4008, A replaced by G.
Molecular consequence: intron variant.
Genome position (GRCh38, 1-based): chr6:152,442,069, T>C on the plus strand (A>G on the coding strand, the complement: SYNE1 is on the minus strand). VCF-style: chr6-152442069-T-C. GRCh37 (hg19) VCF-style: chr6-152763204-T-C.
Other names: c.4029+6A>G (NM_033071.5).
Identifiers: ClinVar variation 5039682 (VCV005039682.1).
Genomic context (GRCh38, chr6:152,442,069, plus strand): 5'-GAGGCACAACCGGAAGTGAACACTGCCCAGCCTCTGTTTAAATGGCCCCTAACTTCCGGC[T>C]CCTACCTGGATGCGGCGTTCCTGCCTCTCCCGGCTGCGCTCCAGGCCATCCAGTGTGCTC-3'

ClinVar aggregate classification (germline): Likely benign (1 of 4 stars; one submission).

gnomAD v4.1: 3 of 1,613,920 alleles (0.00019%); highest among the groups gnomAD compares: Non-Finnish European, 0.00025%; no homozygotes.

Submission:

CeGaT Center for Human Genetics Tuebingen
Classification: Likely benign. Last evaluated: 2026-07-01. Review status: criteria provided, single submitter. Criteria: CeGaT Center For Human Genetics Tuebingen Variant Classification Criteria Version 2. Collection method: clinical testing. Allele origin: germline. Affected: yes. Observed: 1 variant allele.
Comment: SYNE1: BP4